The following is an entry in ClinVar:

ClinVar aggregate classification (germline): Likely pathogenic (1 of 4 stars; one submission).

Conditions:
Dilated cardiomyopathy 1G (CMD1G). Identifiers: Orphanet 154, MedGen C1858763, MONDO:0011400, OMIM 604145.
Autosomal recessive limb-girdle muscular dystrophy type 2J (LGMDR10). Also called: Limb-girdle muscular dystrophy, type 2J; MUSCULAR DYSTROPHY, LIMB-GIRDLE, AUTOSOMAL RECESSIVE 10. Identifiers: Orphanet 140922, MedGen C1837342, MONDO:0012127, OMIM 608807.

Submission:

Labcorp Genetics (formerly Invitae), Labcorp
Classification: Likely pathogenic for Dilated cardiomyopathy 1G; Autosomal recessive limb-girdle muscular dystrophy type 2J. Last evaluated: 2024-10-30. Review status: criteria provided, single submitter. Criteria: Invitae Variant Classification Sherloc (09022015). Collection method: clinical testing. Allele origin: germline.
Comment: This sequence change creates a premature translational stop signal (p.Arg16927*) in the TTN gene. While this is not anticipated to result in nonsense mediated decay, it is expected to create a truncated TTN protein. This variant is not present in population databases (gnomAD no frequency). This variant has not been reported in the literature in individuals affected with TTN-related conditions. Algorithms developed to predict the effect of sequence changes on RNA splicing suggest that this variant may disrupt the consensus splice site. This variant is located in the A band of TTN (PMID: 25589632). Truncating variants in this region are significantly overrepresented in patients affected with dilated cardiomyopathy (PMID: 25589632). Truncating variants in this region have also been reported in individuals affected with autosomal recessive centronuclear myopathy (PMID: 23975875). In summary, the currently available evidence indicates that the variant is pathogenic, but additional data are needed to prove that conclusively. Therefore, this variant has been classified as Likely Pathogenic.

Literature cited by the submitters: PubMed 25589632; PubMed 23975875.

NM_001267550.2(TTN):c.50779_50782del (p.Leu16926_Arg16927insTer)

Genes: TTN-AS1 (TTN antisense RNA 1; plus strand), TTN (titin; minus strand). Cytogenetic location: 2q31.2.
Variant type: Deletion.
Coding change: c.50779_50782del on transcript NM_001267550.2 (MANE Select); coding-DNA positions 50779 to 50782, 4 bases deleted (AGAG; older notation c.50779_50782delAGAG).
Protein change: p.Leu16926_Arg16927insTer.
Molecular consequence: nonsense.
Genome position (GRCh38, 1-based): chr2:178,611,447-178,611,450, CTCT deleted on the plus strand (AGAG on the coding strand, the reverse complement: TTN is on the minus strand); deleting any 4 consecutive bases within chr2:178,611,447-178,611,451 gives the same sequence; the c. name uses the placement nearest the transcript's 3' end. VCF-style (leftmost placement, unchanged base first): chr2-178611446-ACTCT-A. GRCh37 (hg19) VCF-style: chr2-179476173-ACTCT-A.
Other names: c.45856_45859del, p.Leu15285_Arg15286insTer (NM_001256850.1); c.23584_23587del, p.Leu7861_Arg7862insTer (NM_003319.4); c.43075_43078del, p.Leu14358_Arg14359insTer (NM_133378.4); c.23959_23962del, p.Leu7986_Arg7987insTer (NM_133432.3); c.24160_24163del, p.Leu8053_Arg8054insTer (NM_133437.4).
Identifiers: ClinVar variation 3759633 (VCV003759633.2).